The following is an entry in ClinVar:

ClinVar aggregate classification (germline): Uncertain significance (1 of 4 stars; one submission).

Conditions:
Kabuki syndrome 1 (KABUK1). Also called: KMT2D-Related Kabuki Syndrome. Identifiers: Orphanet 2322, MedGen CN030661, MONDO:0007843, OMIM 147920.

Submission:

Dasa
Classification: Uncertain significance for Kabuki syndrome 1. Last evaluated: 2025-11-06. Review status: criteria provided, single submitter. Criteria: DASA Assertion Criteria. Collection method: clinical testing. Allele origin: germline.
Comment: NM_003482.4(KMT2D):c.2011_2037del (p.Leu671_Pro679del) is an in-frame deletion predicted to remove amino acids from leucine at protein position 671 through proline at protein position 679 without shifting the reading frame. This variant is absent from population databases. The currently available literature and clinical evidence are not sufficient to establish a definitive association between this variant and the reported condition. Therefore, this variant is classified as a variant of uncertain significance.

NM_003482.4(KMT2D):c.2011_2037del (p.662LSPPPEESP[1])

Gene: KMT2D (lysine methyltransferase 2D; minus strand). Cytogenetic location: 12q13.12.
Variant type: Deletion.
Coding change: c.2011_2037del on transcript NM_003482.4 (MANE Select); coding-DNA positions 2011 to 2037, 27 bases deleted (TTGTCCCCACCGCCTGAGGAGTCTCCC).
Protein change: p.662LSPPPEESP[1].
Molecular consequence: inframe deletion.
Genome position (GRCh38, 1-based): chr12:49,051,646-49,051,672, GGGAGACTCCTCAGGCGGTGGGGACAA deleted on the plus strand (TTGTCCCCACCGCCTGAGGAGTCTCCC on the coding strand, the reverse complement: KMT2D is on the minus strand); deleting any 27 consecutive bases within chr12:49,051,646-49,051,678 gives the same sequence; the c. name uses the placement nearest the transcript's 3' end. VCF-style (leftmost placement, unchanged base first): chr12-49051645-TGGGAGACTCCTCAGGCGGTGGGGACAA-T. GRCh37 (hg19) VCF-style: chr12-49445428-TGGGAGACTCCTCAGGCGGTGGGGACAA-T.
Identifiers: ClinVar variation 4884143 (VCV004884143.2).